The following is an entry in ClinVar:

NM_205768.3(ZBTB18):c.622G>A (p.Gly208Arg)

Gene: ZBTB18 (zinc finger and BTB domain containing 18; plus strand). Cytogenetic location: 1q44.
Variant type: single nucleotide variant.
Coding change: c.622G>A on transcript NM_205768.3 (MANE Select); coding-DNA position 622, G replaced by A.
Protein change: p.Gly208Arg; replaces glycine 208 with arginine.
Molecular consequence: missense variant.
Genome position (GRCh38, 1-based): chr1:244,054,396, G>A. VCF-style: chr1-244054396-G-A. GRCh37 (hg19) VCF-style: chr1-244217698-G-A.
Other names: c.595G>A, p.Gly199Arg (NM_001278196.2, NM_006352.5); c.622G>A, p.Gly208Arg (NM_001421566.1); short protein forms G199R, G208R.
Identifiers: ClinVar variation 4748059 (VCV004748059.1).

ClinVar aggregate classification (germline): Uncertain significance (1 of 4 stars; one submission).

gnomAD v4.1: 17 of 1,614,062 alleles (0.0011%); highest among the groups gnomAD compares: Admixed American, 0.005%; no homozygotes.

Submission:

Labcorp Genetics (formerly Invitae), Labcorp
Classification: Uncertain significance. Last evaluated: 2025-07-13. Review status: criteria provided, single submitter. Criteria: Invitae Variant Classification Sherloc (09022015). Collection method: clinical testing. Allele origin: germline.
Comment: This sequence change replaces glycine, which is neutral and non-polar, with arginine, which is basic and polar, at codon 208 of the ZBTB18 protein (p.Gly208Arg). This variant is present in population databases (no rsID available, gnomAD 0.009%). This variant has not been reported in the literature in individuals affected with ZBTB18-related conditions. Invitae Evidence Modeling of protein sequence and biophysical properties (such as structural, functional, and spatial information, amino acid conservation, physicochemical variation, residue mobility, and thermodynamic stability) indicates that this missense variant is not expected to disrupt ZBTB18 protein function with a negative predictive value of 95%. In summary, the available evidence is currently insufficient to determine the role of this variant in disease. Therefore, it has been classified as a Variant of Uncertain Significance.